The following is an entry in ClinVar:

NM_000238.4(KCNH2):c.1201_1204dup (p.His402fs)

Gene: KCNH2 (potassium voltage-gated channel subfamily H member 2; minus strand). Cytogenetic location: 7q36.1.
Variant type: Duplication.
Coding change: c.1201_1204dup on transcript NM_000238.4 (MANE Select); coding-DNA positions 1201 to 1204, 4 bases duplicated (CTGC; older notation c.1201_1204dupCTGC).
Protein change: p.His402fs; shifts the reading frame from histidine 402.
Molecular consequence: frameshift variant.
Genome position (GRCh38, 1-based): chr7:150,952,778-150,952,781, GCAG duplicated on the plus strand (CTGC on the coding strand, the reverse complement: KCNH2 is on the minus strand); duplicating any 4 consecutive bases within chr7:150,952,778-150,952,782 gives the same sequence; the c. name uses the placement nearest the transcript's 3' end. VCF-style (leftmost placement, unchanged base first): chr7-150952777-T-TGCAG. GRCh37 (hg19) VCF-style: chr7-150649865-T-TGCAG.
Other names: c.181_184dup, p.His62fs (NM_001204798.2, NM_172057.3); c.912_915dup, p.His306Profs (NM_001406753.1, NM_001406756.1); c.1023_1026dup, p.His343Profs (NM_001406755.1); c.900_903dup, p.His302Profs (NM_001406757.1); c.1200_1203dup, p.His402Profs (NM_172056.3); short protein forms H402fs, H62fs.
Identifiers: ClinVar variation 200630 (VCV000200630.4), dbSNP rs794728434, ClinGen allele CA305306.
Genomic context (GRCh38, chr7:150,952,777, plus strand): 5'-GCCGTGTAGATGACCAGCAGCAGGATGAGCCAGTCCCACACGGCCTTGAAGGGGCTGTAA[T>TGCAG]GCAGGATGGTCCAGCGGTGGATGCGCGGTGCCTGCAGCTTGTACTCAGGCAGCACGTCGG-3'

ClinVar aggregate classification (germline): Pathogenic (1 of 4 stars; one submission).

Conditions:
Cardiac arrhythmia. Also called: Arrhythmia; Cardiac rhythm disease. Identifiers: MedGen C0003811, MONDO:0007263, HP:0011675.

Submission:

GeneDx
Classification: Pathogenic for Cardiac arrhythmia. Last evaluated: 2014-08-29. Review status: criteria provided, single submitter. Criteria: GeneDx Variant Classification (06012015). Collection method: clinical testing. Allele origin: germline. Affected: yes.
Comment: The c.1201_1204dupCTGC mutation in the KCNH2 gene has not been reported as a disease-causing mutation or as a benign polymorphism to our knowledge. This mutation causes a shift in reading frame starting at codon Histidine 402, changing it to a Proline, and creating a premature stop codon at position 118 of the new reading frame, denoted p.His402ProfsX118. This mutation is expected to result in either an abnormal, truncated protein product or loss of protein from this allele through nonsense-mediated mRNA decay. Other frameshift mutations in the KCNH2 gene have been reported in association with LQTS. The variant is found in HERG panel(s).